The following is an entry in ClinVar:

ClinVar aggregate classification (germline): Pathogenic (1 of 4 stars; one submission).

Conditions:
Cystic fibrosis (CF). Also called: MUCOVISCIDOSIS. Identifiers: Orphanet 586, MedGen C0010674, MONDO:0009061, OMIM 219700. Disease mechanism: loss of function.

Submission:

Women's Health and Genetics/Laboratory Corporation of America, LabCorp
Classification: Pathogenic for Cystic fibrosis. Last evaluated: 2022-03-16. Review status: criteria provided, single submitter. Criteria: LabCorp Variant Classification Summary - May 2015. Collection method: clinical testing. Allele origin: germline.
Comment: Variant summary: CFTR c.1551C>G (p.Tyr517X) results in a premature termination codon, predicted to cause a truncation of the encoded protein or absence of the protein due to nonsense mediated decay, which are commonly known mechanisms for disease. Truncations downstream of this position have been classified as pathogenic by our laboratory. The variant was absent in 251134 control chromosomes (gnomAD). c.1551C>G has been reported in the literature in compound heterozygous individuals carrying a known pathogenic allele in trans that were affected with Cystic Fibrosis (Hayes_2014, Chheda_2018). These data indicate that the variant is likely to be associated with disease. To our knowledge, no experimental evidence demonstrating an impact on protein function has been reported. No clinical diagnostic laboratories have submitted clinical-significance assessments for this variant to ClinVar after 2014. Based on the evidence outlined above, the variant was classified as pathogenic.

Literature cited by the submitters: PubMed 30588852; PubMed 24671311.

NM_000492.4(CFTR):c.1551C>G (p.Tyr517Ter)

Genes: CFTR (CF transmembrane conductance regulator; plus strand), CFTR-AS1 (CFTR antisense RNA 1; minus strand). Cytogenetic location: 7q31.2.
Variant type: single nucleotide variant.
Coding change: c.1551C>G on transcript NM_000492.4 (MANE Select); coding-DNA position 1551, C replaced by G.
Protein change: p.Tyr517Ter; replaces tyrosine 517 with a stop codon.
Molecular consequence: nonsense.
Genome position (GRCh38, 1-based): chr7:117,559,622, C>G. VCF-style: chr7-117559622-C-G. GRCh37 (hg19) VCF-style: chr7-117199676-C-G.
Other names: short protein forms Y517*.
Identifiers: ClinVar variation 1677121 (VCV001677121.1), dbSNP rs2115938731, ClinGen allele CA368984878.
Genomic context (GRCh38, chr7:117,559,622, plus strand): 5'-TATGCCTGGCACCATTAAAGAAAATATCATCTTTGGTGTTTCCTATGATGAATATAGATA[C>G]AGAAGCGTCATCAAAGCATGCCAACTAGAAGAGGTAAGAAACTATGTGAAAACTTTTTGA-3'